The following is an entry in ClinVar:

NM_000465.4(BARD1):c.215+5_215+8del

Gene: BARD1 (BRCA1 associated RING domain 1; minus strand). Cytogenetic location: 2q35.
Variant type: Microsatellite.
Coding change: c.215+5_215+8del on transcript NM_000465.4 (MANE Select); bases 5 to 8 of the intron after coding-DNA position 215, 4 bases deleted (GTAA; older notation c.215+5_215+8delGTAA).
Molecular consequence: splice donor variant. On other transcripts: intron variant (2).
Genome position (GRCh38, 1-based): chr2:214,797,053-214,797,056, TTAC deleted on the plus strand (GTAA on the coding strand, the reverse complement: BARD1 is on the minus strand); deleting any 4 consecutive bases within chr2:214,797,053-214,797,060 gives the same sequence; the c. name uses the placement nearest the transcript's 3' end. VCF-style (leftmost placement, unchanged base first): chr2-214797052-ATTAC-A. GRCh37 (hg19) VCF-style: chr2-215661776-ATTAC-A.
Other names: c.158+12356_158+12359del (NM_001282548.2); c.159-4611_159-4608del (NM_001282543.2); c.215+5_215+8del (NM_001282545.2, NM_001282549.2); c.215+5_215+8delGTAA (NM_000465.4).
Identifiers: ClinVar variation 230793 (VCV000230793.24), dbSNP rs876658777, ClinGen allele CA10577858.

ClinVar aggregate classification (germline): Conflicting classifications of pathogenicity. Review status: criteria provided, conflicting classifications (1 of 4 stars). 5 submissions from 5 submitters: Likely pathogenic (3); Uncertain significance (2). Last evaluated 2025-10-13.

Conditions:
Hereditary cancer-predisposing syndrome. Also called: Neoplastic Syndromes, Hereditary; Tumor predisposition; Hereditary Cancer Syndrome; Hereditary neoplastic syndrome. Identifiers: Orphanet 140162, MedGen C0027672, MeSH D009386, MONDO:0015356.
Familial cancer of breast. Also called: BREAST CANCER, FAMILIAL; hereditary breast carcinoma; Hereditary breast cancer. Identifiers: Orphanet 227535, MedGen C0346153, MONDO:0016419, OMIM 114480. Disease mechanism: loss of function.

Submissions (5):

Labcorp Genetics (formerly Invitae), Labcorp
Classification: Uncertain significance for Familial cancer of breast. Last evaluated: 2025-10-13. Review status: criteria provided, single submitter. Criteria: Invitae Variant Classification Sherloc (09022015). Collection method: clinical testing. Allele origin: germline.
Comment: This sequence change falls in intron 2 of the BARD1 gene. It does not directly change the encoded amino acid sequence of the BARD1 protein. It affects a nucleotide within the consensus splice site. This variant is not present in population databases (gnomAD no frequency). This variant has not been reported in the literature in individuals affected with BARD1-related conditions. Variants that disrupt the consensus splice site are a relatively common cause of aberrant splicing (PMID: 17576681, 9536098). Studies have shown that this variant is associated with inconclusive levels of altered splicing (internal data). In summary, the available evidence is currently insufficient to determine the role of this variant in disease. Therefore, it has been classified as a Variant of Uncertain Significance.

Ambry Genetics
Classification: Likely pathogenic for Hereditary cancer-predisposing syndrome. Last evaluated: 2025-09-09. Review status: criteria provided, single submitter. Criteria: Ambry Variant Classification Scheme 2023. Collection method: clinical testing. Allele origin: germline.
Comment: The c.215+5_215+8delGTAA intronic variant begins 5 nucleotides after coding exon 2 in the BARD1 gene. This variant results from a deletion of 4 nucleotides at positions c.215+5 to 215+8. This nucleotide region is well conserved in available vertebrate species. In silico splice site analysis predicts that this alteration will weaken the native splice donor site. RNA studies have demonstrated that this alteration results in abnormal splicing in the set of samples tested (Ambry internal data). This variant is considered to be rare based on population cohorts in the Genome Aggregation Database (gnomAD). Alterations that disrupt the canonical splice site are expected to cause aberrant splicing, resulting in an abnormal protein or a transcript that is subject to nonsense-mediated mRNA decay. As such, this alteration is classified as likely pathogenic.

Institute for Biomarker Research, Medical Diagnostic Laboratories, L.L.C.
Classification: Likely pathogenic for Hereditary cancer-predisposing syndrome. Last evaluated: 2025-01-15. Review status: criteria provided, single submitter. Criteria: ACMG Guidelines, 2015. Collection method: clinical testing. Allele origin: germline.
Comment: The splice region variant NM_000465.4(BARD1):c.215+5_215+8delGTAA has been reported to ClinVar as Conflicting classifications of pathogenicity with a status of (1 stars) criteria provided, conflicting classifications (Variation ID 230793 as of 2025-01-02). The c.215+5_215+8delGTAA variant is novel (not in any individuals) in gnomAD. The c.215+5_215+8delGTAA variant is novel (not in any individuals) in 1kG. The nucleotide c.215+5_215+8delGTAA in BARD1 is predicted conserved by GERP++ and PhyloP across 100 vertebrates. For these reasons, this variant has been classified as Likely Pathogenic

Color Diagnostics, LLC DBA Color Health
Classification: Uncertain significance for Hereditary cancer-predisposing syndrome. Last evaluated: 2025-01-14. Review status: criteria provided, single submitter. Criteria: ACMG Guidelines, 2015. Collection method: clinical testing. Allele origin: germline.
Comment: This variant causes a deletion of four nucleotides in intron 2 of the BARD1 gene. Splice site prediction tools suggest that this variant may impact RNA splicing. This variant has been reported to impact RNA splicing by an external laboratory, however, detailed data are not available for review (ClinVar Accession: SCV000274461.8). To our knowledge, this variant has not been reported in individuals affected with hereditary cancer in the literature. This variant has not been identified in the general population by the Genome Aggregation Database (gnomAD). The available evidence is insufficient to determine the role of this variant in disease conclusively. Therefore, this variant is classified as a Variant of Uncertain Significance.

GeneDx
Classification: Likely pathogenic. Last evaluated: 2024-02-15. Review status: criteria provided, single submitter. Criteria: GeneDx Variant Classification Process June 2021. Collection method: clinical testing. Allele origin: germline. Affected: yes.
Comment: Not observed at significant frequency in large population cohorts (gnomAD); Has not been previously published as pathogenic or benign to our knowledge

Literature cited by the submitters: PubMed 17576681 (cited by Labcorp Genetics (formerly Invitae), Labcorp); PubMed 9536098 (cited by Labcorp Genetics (formerly Invitae), Labcorp).